The following is an entry in ClinVar:

ClinVar aggregate classification (germline): Uncertain significance (1 of 4 stars; one submission).

gnomAD v4.1: 4 of 1,613,984 alleles (0.00025%); highest among the groups gnomAD compares: Admixed American, 0.0033%; no homozygotes.

Submission:

Women's Health and Genetics/Laboratory Corporation of America, LabCorp
Classification: Uncertain significance. Last evaluated: 2024-09-18. Review status: criteria provided, single submitter. Criteria: LabCorp Variant Classification Summary - May 2015. Collection method: clinical testing. Allele origin: germline.
Comment: Variant summary: RANBP2 c.3505G>A (p.Gly1169Ser) results in a non-conservative amino acid change in the encoded protein sequence. Three of five in-silico tools predict a damaging effect of the variant on protein function. The variant allele was found at a frequency of 8e-06 in 251112 control chromosomes. The available data on variant occurrences in the general population are insufficient to allow any conclusion about variant significance. To our knowledge, no occurrence of c.3505G>A in individuals affected with Familial Acute Necrotizing Encephalopathy and no experimental evidence demonstrating its impact on protein function have been reported. No submitters have cited clinical-significance assessments for this variant to ClinVar. Based on the evidence outlined above, the variant was classified as uncertain significance.

NM_006267.5(RANBP2):c.3505G>A (p.Gly1169Ser)

Gene: RANBP2 (RAN binding protein 2; plus strand). Cytogenetic location: 2q13.
Variant type: single nucleotide variant.
Coding change: c.3505G>A on transcript NM_006267.5 (MANE Select); coding-DNA position 3505, G replaced by A.
Protein change: p.Gly1169Ser; replaces glycine 1169 with serine.
Molecular consequence: missense variant.
Genome position (GRCh38, 1-based): chr2:108,764,044, G>A. VCF-style: chr2-108764044-G-A. GRCh37 (hg19) VCF-style: chr2-109380500-G-A.
Other names: c.3505G>A, p.Gly1169Ser (NM_001415871.1, NM_001415873.1); c.3502G>A, p.Gly1168Ser (NM_001415872.1); short protein forms G1168S, G1169S.
Identifiers: ClinVar variation 3375412 (VCV003375412.1).